The following is an entry in ClinVar:

ClinVar aggregate classification (germline): Uncertain significance (1 of 4 stars; one submission).

Submission:

Ambry Genetics
Classification: Uncertain significance. Last evaluated: 2026-08-13. Review status: criteria provided, single submitter. Criteria: Ambry Variant Classification Scheme 2023. Collection method: clinical testing. Allele origin: germline.
Comment: The p.E37D variant (also known as c.111A>C), located in coding exon 1 of the MLH3 gene, results from an A to C substitution at nucleotide position 111. The glutamic acid at codon 37 is replaced by aspartic acid, an amino acid with highly similar properties. This amino acid position is conserved. In addition, this alteration is predicted to be tolerated by in silico analysis. Based on the available evidence, the clinical significance of this variant remains unclear.

NM_001040108.2(MLH3):c.111A>C (p.Glu37Asp)

Gene: MLH3 (mutL homolog 3; minus strand). Cytogenetic location: 14q24.3.
Variant type: single nucleotide variant.
Coding change: c.111A>C on transcript NM_001040108.2 (MANE Select); coding-DNA position 111, A replaced by C.
Protein change: p.Glu37Asp; replaces glutamic acid 37 with aspartic acid.
Molecular consequence: missense variant.
Genome position (GRCh38, 1-based): chr14:75,049,545, T>G on the plus strand (A>C on the coding strand, the complement: MLH3 is on the minus strand). VCF-style: chr14-75049545-T-G. GRCh37 (hg19) VCF-style: chr14-75516248-T-G.
Other names: c.111A>C, p.Glu37Asp (NM_014381.3); short protein forms E37D.
Identifiers: ClinVar variation 5024628 (VCV005024628.1).